The following is an entry in ClinVar:

NM_004522.3(KIF5C):c.802G>T (p.Ala268Ser)

Gene: KIF5C (kinesin family member 5C; plus strand). Cytogenetic location: 2q23.1.
Variant type: single nucleotide variant.
Coding change: c.802G>T on transcript NM_004522.3 (MANE Select); coding-DNA position 802, G replaced by T.
Protein change: p.Ala268Ser; replaces alanine 268 with serine.
Molecular consequence: missense variant. On other transcripts: non-coding transcript variant (1).
Genome position (GRCh38, 1-based): chr2:148,949,926, G>T. VCF-style: chr2-148949926-G-T. GRCh37 (hg19) VCF-style: chr2-149806440-G-T.
Other names: short protein forms A268S.
Identifiers: ClinVar variation 1678783 (VCV001678783.4), dbSNP rs377683650, ClinGen allele CA1901316.
Genomic context (GRCh38, chr2:148,949,926, plus strand): 5'-GTTCTTGACGAAGCTAAAAATATCAATAAGTCTTTGTCTGCTCTTGGAAATGTGATCTCT[G>T]CTTTGGCAGAAGGGACAGTAAGTGATCCTGCCCCCATCTATTAAGTAATATTATGAGAAA-3'
Protein context (NP_004513.1, residues 258-278): SLSALGNVIS[Ala268Ser]LAEGTKTHVP

ClinVar aggregate classification (germline): Likely benign. Review status: criteria provided, multiple submitters, no conflicts (2 of 4 stars). 3 submissions from 3 submitters: Likely benign (3). Last evaluated 2025-12-30.

Conditions:
Complex cortical dysplasia with other brain malformations 2. Identifiers: MedGen C3809013, MONDO:0014116, OMIM 615282.

Allele frequency attached by ClinVar (database versions not stated): ExAC 0.00008; gnomAD exomes 0.00008 and 0.00026; TOPMed 0.00010; gnomAD 0.00011; ESP Exome Variant Server 0.00025.
gnomAD v4.1: 406 of 1,613,458 alleles (0.025%); highest among the groups gnomAD compares: Non-Finnish European, 0.032%; no homozygotes.

Submissions (3):

Women's Health and Genetics/Laboratory Corporation of America, LabCorp
Classification: Likely benign. Last evaluated: 2025-12-30. Review status: criteria provided, single submitter. Criteria: LabCorp Variant Classification Summary - May 2015. Collection method: clinical testing. Allele origin: germline.
Comment: Variant summary: KIF5C c.802G>T (p.Ala268Ser) results in a conservative amino acid change in the encoded protein sequence. Algorithms developed to predict the effect of missense changes on protein structure and function are either unavailable or do not agree on the potential impact of this missense change. The variant allele was found at a frequency of 8.1e-05 in 248162 control chromosomes. To our knowledge, no occurrence of c.802G>T in individuals affected with KIF5C-related conditions and no experimental evidence demonstrating its impact on protein function have been reported. ClinVar contains an entry for this variant (Variation ID: 1678783). Based on the evidence outlined above, the variant was classified as likely benign.

Institute of Human Genetics, University of Leipzig Medical Center
Classification: Likely benign for Complex cortical dysplasia with other brain malformations 2. Last evaluated: 2024-12-12. Review status: criteria provided, single submitter. Criteria: ACMG Guidelines, 2015. Collection method: literature only. Allele origin: unknown.
Comment: PM1, PM2, PP2, PP3

GeneDx
Classification: Likely benign. Last evaluated: 2019-07-02. Review status: criteria provided, single submitter. Criteria: GeneDx Variant Classification Process June 2021. Collection method: clinical testing. Allele origin: germline. Affected: yes.
Comment: See Variant Classification Assertion Criteria.

Literature cited by the submitters: PubMed 25140959 (cited by Institute of Human Genetics, University of Leipzig Medical Center).